The following is an entry in ClinVar:

ClinVar aggregate classification (germline): Uncertain significance. Review status: criteria provided, multiple submitters, no conflicts (2 of 4 stars). 2 submissions from 2 submitters: Uncertain significance (2). Last evaluated 2025-01-28.

Conditions:
Hereditary pancreatitis (PCTT). Also called: PRSS1-Related Hereditary Pancreatitis; Hereditary chronic pancreatitis. Identifiers: Orphanet 676, MedGen C0238339, MONDO:0008185, OMIM 167800.

Allele frequency attached by ClinVar (database versions not stated): gnomAD exomes 0.00001 and 0.00002; TOPMed 0.00001; ExAC 0.00002; ESP Exome Variant Server 0.00008.
gnomAD v4.1: 18 of 1,614,168 alleles (0.0011%); highest among the groups gnomAD compares: Non-Finnish European, 0.0014%; no homozygotes.

Submissions (2):

Ambry Genetics
Classification: Uncertain significance for Hereditary pancreatitis. Last evaluated: 2025-01-28. Review status: criteria provided, single submitter. Criteria: Ambry Variant Classification Scheme 2023. Collection method: clinical testing. Allele origin: germline.
Comment: The p.P398L variant (also known as c.1193C>T), located in coding exon 10 of the CPA1 gene, results from a C to T substitution at nucleotide position 1193. The proline at codon 398 is replaced by leucine, an amino acid with similar properties. This variant was identified in one control; in vitro studies demonstrated reduced apparent CPA1 activity and secretion levels compared to wild type of 42% and 64%, respectively (Witt H et al. Nat. Genet., 2013 Oct;45:1216-20). This amino acid position is well conserved in available vertebrate species. In addition, the in silico prediction for this alteration is inconclusive. Based on the available evidence, the clinical significance of this variant remains unclear.

Labcorp Genetics (formerly Invitae), Labcorp
Classification: Uncertain significance. Last evaluated: 2022-11-10. Review status: criteria provided, single submitter. Criteria: Invitae Variant Classification Sherloc (09022015). Collection method: clinical testing. Allele origin: germline.
Comment: ClinVar contains an entry for this variant (Variation ID: 1042843). In summary, the available evidence is currently insufficient to determine the role of this variant in disease. Therefore, it has been classified as a Variant of Uncertain Significance. Experimental studies have shown that this missense change affects CPA1 function (PMID: 23955596). Advanced modeling of protein sequence and biophysical properties (such as structural, functional, and spatial information, amino acid conservation, physicochemical variation, residue mobility, and thermodynamic stability) performed at Invitae indicates that this missense variant is expected to disrupt CPA1 protein function. This variant has not been reported in the literature in individuals affected with CPA1-related conditions. This variant is present in population databases (rs370058970, gnomAD 0.004%). This sequence change replaces proline, which is neutral and non-polar, with leucine, which is neutral and non-polar, at codon 398 of the CPA1 protein (p.Pro398Leu).

Literature cited by the submitters: PubMed 23955596 (cited by Ambry Genetics and Labcorp Genetics (formerly Invitae), Labcorp).

NM_001868.4(CPA1):c.1193C>T (p.Pro398Leu)

Gene: CPA1 (carboxypeptidase A1; plus strand). Cytogenetic location: 7q32.2.
Variant type: single nucleotide variant.
Coding change: c.1193C>T on transcript NM_001868.4 (MANE Select); coding-DNA position 1193, C replaced by T.
Protein change: p.Pro398Leu; replaces proline 398 with leucine.
Molecular consequence: missense variant.
Genome position (GRCh38, 1-based): chr7:130,387,944, C>T. VCF-style: chr7-130387944-C-T. GRCh37 (hg19) VCF-style: chr7-130027785-C-T.
Other names: short protein forms P398L.
Identifiers: ClinVar variation 1042843 (VCV001042843.11), dbSNP rs370058970, ClinGen allele CA4485078.
Genomic context (GRCh38, chr7:130,387,944, plus strand): 5'-CCTTCGAGCTCCGGGACACTGGGCGCTATGGCTTCCTGCTGCCAGCCTCCCAGATCATCC[C>T]CACAGCCAAGGAGACGTGGCTGGCGCTTCTGACCATCATGGAGCACACCCTGAATCACCC-3'
Protein context (NP_001859.1, residues 388-408): GFLLPASQII[Pro398Leu]TAKETWLALL